The following is an entry in ClinVar:

NM_000899.5(KITLG):c.245C>T (p.Thr82Ile)

Gene: KITLG (KIT ligand; minus strand). Cytogenetic location: 12q21.32.
Variant type: single nucleotide variant.
Coding change: c.245C>T on transcript NM_000899.5 (MANE Select); coding-DNA position 245, C replaced by T.
Protein change: p.Thr82Ile; replaces threonine 82 with isoleucine.
Molecular consequence: missense variant.
Genome position (GRCh38, 1-based): chr12:88,518,815, G>A on the plus strand (C>T on the coding strand, the complement: KITLG is on the minus strand). VCF-style: chr12-88518815-G-A. GRCh37 (hg19) VCF-style: chr12-88912592-G-A.
Other names: c.245C>T, p.Thr82Ile (NM_003994.6); short protein forms T82I.
Identifiers: ClinVar variation 3777493 (VCV003777493.1).
Genomic context (GRCh38, chr12:88,518,815, plus strand): 5'-TCTATGATGGAATAATTACTCAAGCCTTCAGAAATATTTGAAAACTTGTCCAGAAGATCA[G>A]TCAAGCTGTCTGACAATTGTACTACCATCTCGCTTATCCAACAATGACTTGGCTGCAAGA-3'
Protein context (NP_000890.1, residues 72-92): EMVVQLSDSL[Thr82Ile]DLLDKFSNIS

ClinVar aggregate classification (germline): Uncertain significance (1 of 4 stars; one submission).

gnomAD v4.1: 1 of 1,613,480 alleles (0.000062%); highest among the groups gnomAD compares: African/African-American, 0.0013%; no homozygotes.

Submission:

GeneDx
Classification: Uncertain significance. Last evaluated: 2024-10-13. Review status: criteria provided, single submitter. Criteria: GeneDx Variant Classification Process June 2021. Collection method: clinical testing. Allele origin: germline. Affected: yes.
Comment: Not observed at significant frequency in large population cohorts (gnomAD); In silico analysis indicates that this missense variant does not alter protein structure/function; Has not been previously published as pathogenic or benign to our knowledge